The following is an entry in ClinVar:

NM_144997.7(FLCN):c.618+3G>A

Gene: FLCN (folliculin; minus strand). Cytogenetic location: 17p11.2.
Variant type: single nucleotide variant.
Coding change: c.618+3G>A on transcript NM_144997.7 (MANE Select); 3 bases into the intron after coding-DNA position 618, G replaced by A.
Molecular consequence: intron variant.
Genome position (GRCh38, 1-based): chr17:17,223,919, C>T on the plus strand (G>A on the coding strand, the complement: FLCN is on the minus strand). VCF-style: chr17-17223919-C-T. GRCh37 (hg19) VCF-style: chr17-17127233-C-T.
Other names: c.618+3G>A (NM_001353231.2, NM_001353230.2, NM_144606.7 and 1 more transcripts); c.672+3G>A (NM_001353229.2).
Identifiers: ClinVar variation 1347460 (VCV001347460.9), dbSNP rs773197802, ClinGen allele CA8416371.

ClinVar aggregate classification (germline): Conflicting classifications of pathogenicity. Review status: criteria provided, conflicting classifications (1 of 4 stars). 3 submissions from 3 submitters: Uncertain significance (1); Likely benign (2). Last evaluated 2026-04-03.

Conditions:
Birt-Hogg-Dube syndrome 1 (BHD1). Also called: FIBROFOLLICULOMAS WITH TRICHODISCOMAS AND ACROCHORDONS. Identifiers: Orphanet 122, MedGen CN375946, MONDO:0800445, OMIM 135150.
Hereditary cancer-predisposing syndrome. Also called: Neoplastic Syndromes, Hereditary; Tumor predisposition; Hereditary Cancer Syndrome; Hereditary neoplastic syndrome. Identifiers: Orphanet 140162, MedGen C0027672, MeSH D009386, MONDO:0015356.
Birt-Hogg-Dube syndrome. Also called: Birt Hogg Dubé syndrome. Identifiers: Orphanet 122, MedGen C0346010, MONDO:0800444.

Allele frequency attached by ClinVar (database versions not stated): gnomAD 0.00001; gnomAD exomes below 0.00001; ExAC 0.00001.
gnomAD v4.1: 2 of 1,613,130 alleles (0.00012%); highest among the groups gnomAD compares: South Asian, 0.0011%; no homozygotes.

Submissions (3):

Ambry Genetics
Classification: Likely benign for Hereditary cancer-predisposing syndrome. Last evaluated: 2026-04-03. Review status: criteria provided, single submitter. Criteria: Ambry Variant Classification Scheme 2023. Collection method: clinical testing. Allele origin: germline.

Myriad Genetics, Inc.
Classification: Likely benign for Birt-Hogg-Dube syndrome 1. Last evaluated: 2024-10-23. Review status: criteria provided, single submitter. Criteria: Myriad Autosomal Dominant, Autosomal Recessive and X-Linked Classification Criteria (2023). Collection method: clinical testing. Allele origin: unknown.
Comment: This variant is considered likely benign. This variant is intronic and is not expected to impact mRNA splicing.

Labcorp Genetics (formerly Invitae), Labcorp
Classification: Uncertain significance for Birt-Hogg-Dube syndrome. Last evaluated: 2023-09-08. Review status: criteria provided, single submitter. Criteria: Invitae Variant Classification Sherloc (09022015). Collection method: clinical testing. Allele origin: germline.
Comment: In summary, the available evidence is currently insufficient to determine the role of this variant in disease. Therefore, it has been classified as a Variant of Uncertain Significance. This sequence change falls in intron 6 of the FLCN gene. It does not directly change the encoded amino acid sequence of the FLCN protein. It affects a nucleotide within the consensus splice site. This variant is present in population databases (rs773197802, gnomAD 0.0009%). This variant has not been reported in the literature in individuals affected with FLCN-related conditions. ClinVar contains an entry for this variant (Variation ID: 1347460). Variants that disrupt the consensus splice site are a relatively common cause of aberrant splicing (PMID: 17576681, 9536098). Algorithms developed to predict the effect of sequence changes on RNA splicing suggest that this variant is not likely to affect RNA splicing.

Literature cited by the submitters: PubMed 17576681 (cited by Labcorp Genetics (formerly Invitae), Labcorp); PubMed 9536098 (cited by Labcorp Genetics (formerly Invitae), Labcorp).